The following is an entry in ClinVar:

NM_194318.4(B3GLCT):c.728A>G (p.Asn243Ser)

Gene: B3GLCT (beta 3-glucosyltransferase; plus strand). Cytogenetic location: 13q12.3.
Variant type: single nucleotide variant.
Coding change: c.728A>G on transcript NM_194318.4 (MANE Select); coding-DNA position 728, A replaced by G.
Protein change: p.Asn243Ser; replaces asparagine 243 with serine.
Molecular consequence: missense variant.
Genome position (GRCh38, 1-based): chr13:31,274,576, A>G. VCF-style: chr13-31274576-A-G. GRCh37 (hg19) VCF-style: chr13-31848713-A-G.
Other names: short protein forms N243S.
Identifiers: ClinVar variation 500835 (VCV000500835.12), dbSNP rs371506964, ClinGen allele CA6936693.
Genomic context (GRCh38, chr13:31,274,576, plus strand): 5'-TCTACATCTGGGACAAAGGCGGAGGACCTCCCCTGACCCCAGTGCCTGAGTTTTGTACCA[A>G]TGACGTGGACTTCTACTGTGCTACCACATTCCATTCTTTTCTACCGCTTTGTGTGAGTAA-3'
Protein context (NP_919299.3, residues 233-253): PLTPVPEFCT[Asn243Ser]DVDFYCATTF

ClinVar aggregate classification (germline): Uncertain significance. Review status: criteria provided, multiple submitters, no conflicts (2 of 4 stars). 2 submissions from 2 submitters: Uncertain significance (2). Last evaluated 2022-07-19.

Conditions:
Peters plus syndrome. Also called: KRAUSE-KIVLIN SYNDROME. Identifiers: Orphanet 709, MedGen C0796012, MONDO:0009856, OMIM 261540.

Allele frequency attached by ClinVar (database versions not stated): ExAC 0.00002; gnomAD exomes 0.00002; gnomAD 0.00003 and 0.00004; TOPMed 0.00003; ESP Exome Variant Server 0.00008.
gnomAD v4.1: 35 of 1,614,086 alleles (0.0022%); highest among the groups gnomAD compares: Non-Finnish European, 0.0028%; no homozygotes.

Submissions (2):

Labcorp Genetics (formerly Invitae), Labcorp
Classification: Uncertain significance for Peters plus syndrome. Last evaluated: 2022-07-19. Review status: criteria provided, single submitter. Criteria: Invitae Variant Classification Sherloc (09022015). Collection method: clinical testing. Allele origin: germline.
Comment: In summary, the available evidence is currently insufficient to determine the role of this variant in disease. Therefore, it has been classified as a Variant of Uncertain Significance. Algorithms developed to predict the effect of sequence changes on RNA splicing suggest that this variant may create or strengthen a splice site. Algorithms developed to predict the effect of missense changes on protein structure and function (SIFT, PolyPhen-2, Align-GVGD) all suggest that this variant is likely to be tolerated. ClinVar contains an entry for this variant (Variation ID: 500835). This variant has not been reported in the literature in individuals affected with B3GLCT-related conditions. This variant is not present in population databases (gnomAD no frequency). This sequence change replaces asparagine, which is neutral and polar, with serine, which is neutral and polar, at codon 243 of the B3GLCT protein (p.Asn243Ser).

Eurofins Ntd Llc (ga)
Classification: Uncertain significance. Last evaluated: 2017-03-15. Review status: criteria provided, single submitter. Criteria: EGL Classification Definitions 2015. Collection method: clinical testing. Allele origin: germline. Observed: 1 variant allele, 1 heterozygote.